The following is an entry in ClinVar:

ClinVar aggregate classification (germline): Uncertain significance (1 of 4 stars; one submission).

gnomAD v4.1: 6 of 1,537,132 alleles (0.00039%); highest among the groups gnomAD compares: Non-Finnish European, 0.00052%; no homozygotes.

Submission:

Women's Health and Genetics/Laboratory Corporation of America, LabCorp
Classification: Uncertain significance. Last evaluated: 2025-05-08. Review status: criteria provided, single submitter. Criteria: LabCorp Variant Classification Summary - May 2015. Collection method: clinical testing. Allele origin: germline.
Comment: Variant summary: ZBTB20 c.136C>G (p.Pro46Ala) results in a non-conservative amino acid change in the encoded protein sequence. Algorithms developed to predict the effect of missense changes on protein structure and function are either unavailable or do not agree on the potential impact of this missense change. The variant allele was found at a frequency of 6.9e-06 in 144352 control chromosomes. The available data on variant occurrences in the general population are insufficient to allow any conclusion about variant significance. To our knowledge, no occurrence of c.136C>G in individuals affected with Intellectual Disability-Cataracts Pinnae-Myopathy Syndrome and no experimental evidence demonstrating its impact on protein function have been reported. No submitters have cited clinical-significance assessments for this variant to ClinVar. Based on the evidence outlined above, the variant was classified as uncertain significance.

NM_001348800.3(ZBTB20):c.136C>G (p.Pro46Ala)

Genes: ZBTB20 (zinc finger and BTB domain containing 20; minus strand), ZBTB20-AS1 (ZBTB20 antisense RNA 1; plus strand). Cytogenetic location: 3q13.31.
Variant type: single nucleotide variant.
Coding change: c.136C>G on transcript NM_001348800.3 (MANE Select); coding-DNA position 136, C replaced by G.
Protein change: p.Pro46Ala; replaces proline 46 with alanine.
Molecular consequence: missense variant. On other transcripts: 5 prime UTR variant (12), non-coding transcript variant (1).
Genome position (GRCh38, 1-based): chr3:114,380,280, G>C on the plus strand (C>G on the coding strand, the complement: ZBTB20 is on the minus strand). VCF-style: chr3-114380280-G-C. GRCh37 (hg19) VCF-style: chr3-114099127-G-C.
Other names: c.136C>G, p.Pro46Ala (NM_001164342.2, NM_001348803.3, NM_001393393.1 and 1 more transcripts); c.-84C>G (NM_001164343.2, NM_001164344.4, NM_001164345.4 and 9 more transcripts); short protein forms P46A.
Identifiers: ClinVar variation 3902380 (VCV003902380.1).